The following is an entry in ClinVar:

ClinVar aggregate classification (germline): Uncertain significance. Review status: criteria provided, multiple submitters, no conflicts (2 of 4 stars). 2 submissions from 2 submitters: Uncertain significance (2). Last evaluated 2024-08-05.

Allele frequency attached by ClinVar (database versions not stated): TOPMed below 0.00001; gnomAD exomes 0.00001.
gnomAD v4.1: 10 of 1,614,002 alleles (0.00062%); highest among the groups gnomAD compares: Non-Finnish European, 0.00076%; no homozygotes.

Submissions (2):

Labcorp Genetics (formerly Invitae), Labcorp
Classification: Uncertain significance. Last evaluated: 2024-08-05. Review status: criteria provided, single submitter. Criteria: Invitae Variant Classification Sherloc (09022015). Collection method: clinical testing. Allele origin: germline.
Comment: This sequence change replaces cysteine, which is neutral and slightly polar, with arginine, which is basic and polar, at codon 172 of the RBP3 protein (p.Cys172Arg). This variant is not present in population databases (gnomAD no frequency). This missense change has been observed in individual(s) with retinitis pigmentosa (Invitae). In at least one individual the data is consistent with being in trans (on the opposite chromosome) from a pathogenic variant. ClinVar contains an entry for this variant (Variation ID: 1021591). An algorithm developed to predict the effect of missense changes on protein structure and function (PolyPhen-2) suggests that this variant is likely to be disruptive. In summary, the available evidence is currently insufficient to determine the role of this variant in disease. Therefore, it has been classified as a Variant of Uncertain Significance.

Blueprint Genetics
Classification: Uncertain significance. Last evaluated: 2022-07-29. Review status: criteria provided, single submitter. Criteria: ACMG Guidelines, 2015. Collection method: clinical testing. Allele origin: germline.

NM_002900.3(RBP3):c.514T>C (p.Cys172Arg)

Gene: RBP3 (retinol binding protein 3; plus strand). Cytogenetic location: 10q11.22.
Variant type: single nucleotide variant.
Coding change: c.514T>C on transcript NM_002900.3 (MANE Select); coding-DNA position 514, T replaced by C.
Protein change: p.Cys172Arg; replaces cysteine 172 with arginine.
Molecular consequence: missense variant.
Genome position (GRCh38, 1-based): chr10:47,348,998, T>C. VCF-style: chr10-47348998-T-C. GRCh37 (hg19) VCF-style: chr10-48390364-A-G.
Other names: short protein forms C172R.
Identifiers: ClinVar variation 1021591 (VCV001021591.9), dbSNP rs962460193, ClinGen allele CA206460238.
Genomic context (GRCh38, chr10:47,348,998, plus strand): 5'-GTGGCCCACGTGTGGGGGAATCTCATGGGCACCTCCGCCTTAGTGCTGGATCTCCGGCAC[T>C]GCACAGGAGGCCAGGTCTCTGGCATTCCCTACATCATCTCCTACCTGCACCCAGGGAACA-3'
Protein context (NP_002891.1, residues 162-182): TSALVLDLRH[Cys172Arg]TGGQVSGIPY